The following is an entry in ClinVar:

ClinVar aggregate classification (germline): Uncertain significance. Review status: criteria provided, multiple submitters, no conflicts (2 of 4 stars). 3 submissions from 3 submitters: Uncertain significance (2). 1 of the submissions does not count toward it. Last evaluated 2022-08-23.

Conditions:
Primary ciliary dyskinesia. Also called: Ciliary dyskinesia. Identifiers: Orphanet 244, MedGen C0008780, MONDO:0016575, HP:0012265.

Allele frequency attached by ClinVar (database versions not stated): ExAC 0.00004; ESP Exome Variant Server 0.00008; gnomAD exomes 0.00011 and 0.00013; TOPMed 0.00016.
gnomAD v4.1: 215 of 1,614,076 alleles (0.013%); highest among the groups gnomAD compares: Admixed American, 0.038%; no homozygotes.

Submissions (3):

Labcorp Genetics (formerly Invitae), Labcorp
Classification: Uncertain significance for Primary ciliary dyskinesia. Last evaluated: 2022-08-23. Review status: criteria provided, single submitter. Criteria: Invitae Variant Classification Sherloc (09022015). Collection method: clinical testing. Allele origin: germline.
Comment: This sequence change replaces valine, which is neutral and non-polar, with isoleucine, which is neutral and non-polar, at codon 107 of the DNAI2 protein (p.Val107Ile). This variant is present in population databases (rs200358267, gnomAD 0.02%). This variant has not been reported in the literature in individuals affected with DNAI2-related conditions. ClinVar contains an entry for this variant (Variation ID: 971692). Algorithms developed to predict the effect of missense changes on protein structure and function output the following: SIFT: "Tolerated"; PolyPhen-2: "Benign"; Align-GVGD: "Class C0". The isoleucine amino acid residue is found in multiple mammalian species, which suggests that this missense change does not adversely affect protein function. In summary, the available evidence is currently insufficient to determine the role of this variant in disease. Therefore, it has been classified as a Variant of Uncertain Significance.

Ambry Genetics
Classification: Uncertain significance for Primary ciliary dyskinesia. Last evaluated: 2015-09-06. Review status: criteria provided, single submitter. Criteria: Ambry Variant Classification Scheme 2023. Collection method: clinical testing. Allele origin: germline.
Comment: The p.V107I variant (also known as c.319G>A), located in coding exon 2 of the DNAI2 gene, results from a G to A substitution at nucleotide position 319. The valine at codon 107 is replaced by isoleucine, an amino acid with highly similar properties. This variant was previously reported in the SNPDatabase as rs200358267. Based on data from the NHLBI Exome Sequencing Project (ESP), the A allele has an overall frequency of approximately 0.01% (1/13006) total alleles studied and 0.01% (1/8600) European American alleles. This amino acid position is poorly conserved in available vertebrate species. In addition, this alteration is predicted to be tolerated by in silico analysis. Since supporting evidence is limited at this time, the clinical significance of this variant remains unclear.

Natera, Inc.
Classification: Uncertain significance for Primary ciliary dyskinesia. Last evaluated: 2020-02-06. Review status: no assertion criteria provided. Collection method: clinical testing. Allele origin: germline. Not counted in ClinVar's aggregate classification.

NM_023036.6(DNAI2):c.319G>A (p.Val107Ile)

Gene: DNAI2 (dynein axonemal intermediate chain 2; plus strand). Cytogenetic location: 17q25.1.
Variant type: single nucleotide variant.
Coding change: c.319G>A on transcript NM_023036.6 (MANE Select); coding-DNA position 319, G replaced by A.
Protein change: p.Val107Ile; replaces valine 107 with isoleucine.
Molecular consequence: missense variant. On other transcripts: non-coding transcript variant (1).
Genome position (GRCh38, 1-based): chr17:74,285,175, G>A. VCF-style: chr17-74285175-G-A. GRCh37 (hg19) VCF-style: chr17-72281314-G-A.
Other names: c.319G>A, p.Val107Ile (NM_001172810.3, NM_001353167.2); short protein forms V107I.
Identifiers: ClinVar variation 971692 (VCV000971692.9), dbSNP rs200358267, ClinGen allele CA8745315.